The following is an entry in ClinVar:

ClinVar aggregate classification (germline): Uncertain significance. Review status: criteria provided, single submitter (1 of 4 stars). 2 submissions from 2 submitters: Uncertain significance (1). 1 of the submissions does not count toward it. Last evaluated 2022-04-20.

Conditions:
Familial adenomatous polyposis 1 (FAP1). Also called: FAMILIAL ADENOMATOUS POLYPOSIS 1, ATTENUATED; POLYPOSIS, ADENOMATOUS INTESTINAL. Identifiers: MedGen C2713442, MONDO:0021056, OMIM 175100. Disease mechanism: loss of function.
Carcinoma of colon (CRC). Also called: Colonic carcinoma; Colon carcinoma. Identifiers: MedGen C0699790, MONDO:0002032.

Submissions (2):

Labcorp Genetics (formerly Invitae), Labcorp
Classification: Uncertain significance for Familial adenomatous polyposis 1. Last evaluated: 2022-04-20. Review status: criteria provided, single submitter. Criteria: Invitae Variant Classification Sherloc (09022015). Collection method: clinical testing. Allele origin: germline.
Comment: In summary, the available evidence is currently insufficient to determine the role of this variant in disease. Therefore, it has been classified as a Variant of Uncertain Significance. Algorithms developed to predict the effect of missense changes on protein structure and function (SIFT, PolyPhen-2, Align-GVGD) all suggest that this variant is likely to be disruptive. ClinVar contains an entry for this variant (Variation ID: 1049579). This variant has not been reported in the literature in individuals affected with APC-related conditions. This variant is not present in population databases (gnomAD no frequency). This sequence change replaces threonine, which is neutral and polar, with alanine, which is neutral and non-polar, at codon 1380 of the APC protein (p.Thr1380Ala).

Department of Pathology and Laboratory Medicine, Sinai Health System
Classification: Uncertain significance for Carcinoma of colon. Review status: no assertion criteria provided. Collection method: clinical testing. Allele origin: unknown. Affected: yes. Observed: 2 variant alleles. Study: The Canadian Open Genetics Repository (COGR). Not counted in ClinVar's aggregate classification.
Comment: The APC p.Thr1380Ala variant was not identified in the literature nor was it identified in the dbSNP, ClinVar, Genesight-COGR, Cosmic, MutDB, LOVD 3.0, Zhejiang Colon Cancer Database, databases. The variant was not identified in the 1000 Genomes Project, the NHLBI GO Exome Sequencing Project or the Exome Aggregation Consortium (August 8th 2016) control databases. The p.Thr1380 residue is conserved across mammals and other organisms, and four out of five computational analyses (PolyPhen-2, SIFT, AlignGVGD, BLOSUM, MutationTaster) suggest that the variant may impact the protein; however, this information is not predictive enough to assume pathogenicity. The variant occurs outside of the splicing consensus sequence and in silico or computational prediction software programs (SpliceSiteFinder, MaxEntScan, NNSPLICE, GeneSplicer, HumanSpliceFinder) do not predict a difference in splicing. The variant is located with the Adenomatous polyposis coli protein, cysteine-rich repeat functional domain increasing the likelihood that it may have clinical significance. In summary, based on the above information, the clinical significance of this variant cannot be determined with certainty at this time. This variant is classified as a variant of uncertain significance.

NM_000038.6(APC):c.4138A>G (p.Thr1380Ala)

Gene: APC (APC regulator of Wnt signaling pathway; plus strand). Cytogenetic location: 5q22.2.
Variant type: single nucleotide variant.
Coding change: c.4138A>G on transcript NM_000038.6 (MANE Select); coding-DNA position 4138, A replaced by G.
Protein change: p.Thr1380Ala; replaces threonine 1380 with alanine.
Molecular consequence: missense variant.
Genome position (GRCh38, 1-based): chr5:112,839,732, A>G. VCF-style: chr5-112839732-A-G. GRCh37 (hg19) VCF-style: chr5-112175429-A-G.
Other names: c.4138A>G, p.Thr1380Ala (NM_001127510.3, NM_001354895.2); c.4084A>G, p.Thr1362Ala (NM_001127511.3); c.4192A>G, p.Thr1398Ala (NM_001354896.2); c.4168A>G, p.Thr1390Ala (NM_001354897.2); c.4063A>G, p.Thr1355Ala (NM_001354898.2); c.4054A>G, p.Thr1352Ala (NM_001354899.2); c.4015A>G, p.Thr1339Ala (NM_001354900.2); c.3961A>G, p.Thr1321Ala (NM_001354901.2); and 5 more; short protein forms T1097A, T1220A, T1254A, T1279A, T1289A, T1321A, T1339A, T1352A.
Identifiers: ClinVar variation 1049579 (VCV001049579.6), dbSNP rs2149907365, ClinGen allele CA16030397.
Genomic context (GRCh38, chr5:112,839,732, plus strand): 5'-TCTCCCTCCAAAAGTGGTGCTCAGACACCCAAAAGTCCACCTGAACACTATGTTCAGGAG[A>G]CCCCACTCATGTTTAGCAGATGTACTTCTGTCAGTTCACTTGATAGTTTTGAGAGTCGTT-3'
Protein context (NP_000029.2, residues 1370-1390): KSPPEHYVQE[Thr1380Ala]PLMFSRCTSV